The following is an entry in ClinVar:

NM_000215.4(JAK3):c.1351C>T (p.Arg451Ter)

Gene: JAK3 (Janus kinase 3; minus strand). Cytogenetic location: 19p13.11.
Variant type: single nucleotide variant.
Coding change: c.1351C>T on transcript NM_000215.4 (MANE Select); coding-DNA position 1351, C replaced by T.
Protein change: p.Arg451Ter; replaces arginine 451 with a stop codon.
Molecular consequence: nonsense.
Genome position (GRCh38, 1-based): chr19:17,839,567, G>A on the plus strand (C>T on the coding strand, the complement: JAK3 is on the minus strand). VCF-style: chr19-17839567-G-A. GRCh37 (hg19) VCF-style: chr19-17950376-G-A.
Other names: NM_000215.4(JAK3):c.1351C>T; p.Arg451Ter; short protein forms R451*.
Identifiers: ClinVar variation 81020 (VCV000081020.48), dbSNP rs267605358, ClinGen allele CA306136434.

ClinVar aggregate classification (germline): Pathogenic. Review status: reviewed by expert panel (3 of 4 stars). 5 submissions from 5 submitters: Pathogenic (1). 4 of the submissions do not count toward it. Last evaluated 2023-11-14.

Conditions:
Severe combined immunodeficiency disease. Also called: Severe combined immunodeficiency; Severe Combined Immune Deficiency. Identifiers: Orphanet 183660, MedGen C0085110, MeSH D016511, MONDO:0015974, HP:0004430. Inheritance: X-Linked or Autosomal recessive.
T-B+ severe combined immunodeficiency due to JAK3 deficiency. Also called: SCID, T CELL-NEGATIVE, B CELL-POSITIVE, NK CELL-NEGATIVE; SCID, autosomal recessive, T-negative/B-positive type. Identifiers: Orphanet 35078, MedGen C1833275, MONDO:0010938, OMIM 600802.

Allele frequency attached by ClinVar (database versions not stated): gnomAD 0.00001; gnomAD exomes 0.00002.
gnomAD v4.1: 27 of 1,610,094 alleles (0.0017%); highest among the groups gnomAD compares: East Asian, 0.0022%; no homozygotes.

Submissions (5):

ClinGen Severe Combined Immunodeficiency Variant Curation Expert Panel, ClinGen
Classification: Pathogenic for T-B+ severe combined immunodeficiency due to JAK3 deficiency. Last evaluated: 2023-11-14. Review status: reviewed by expert panel. Criteria: ClinGen SCID ACMG Specifications JAK3 V1.0.0. Collection method: curation. Allele origin: germline. Inheritance: Autosomal recessive inheritance.
Comment: The c.1351C>T (p.Arg451Ter)(NM_000215.4) variant in JAK3 is a nonsense variant predicted to cause a premature stop codon in biologically relevant exon 10/24 leading to nonsense-mediated decay in a gene in which loss-of-function is an established disease mechanism (PVS1). The highest population minor allele frequency in gnomAD v2.1.1 is 0.0001150 (1/8692 alleles) in the African/African American population, which is the same as the ClinGen SCID VCEP threshold (<0.0001150 ) for PM2_supporting because this was the variant used to set our PM2 threshold (The most frequently pathogenic variant following SCID VCEP specifications). As the variant is pretty rare in genomes (1/8692) and is not found in exomes PM2 was applied at the supporting level of evidence. Two patients were reported in the literature: * Patient 8: Diagnostic criteria for SCID/Leaky SCID/Omenn syndrome met (0.5pt), SCID gene panel or exome/genome sequencing conducted (0.5pt), T-B+NK- lymphocyte subset profile (0.5pt), total 1.5pt, PP4_Supporting. PMID: 33040328. * Patient 54: Diagnostic criteria for SCID/Leaky SCID/Omenn syndrome met (0.5pt), SCID gene panel or exome/genome sequencing conducted (0.5pt), T-B+NK- lymphocyte subset profile (0.5pt), total 1.5pt, PP4_Supporting. PMID: 30778343. Both of them were homozygous for the variant: 0.5 pts each, 1 pt total, PM3_moderate. (Patient 8, PMID: 33040328 and Patient 54, PMID: 30778343). Two additional patients were reported on ClinVar with no genetic information available; Confirmed affected status just for one of them. In summary, this variant meets the criteria to be classified as Pathogenic for autosomal recessive SCID based on the ACMG/AMP criteria applied, as specified by the ClinGen SCID VCEP. Criteria applied: PVS1, PM3, PP4, and PM2_Supporting. (VCEP specifications version 1).

Labcorp Genetics (formerly Invitae), Labcorp
Classification: Pathogenic for T-B+ severe combined immunodeficiency due to JAK3 deficiency. Last evaluated: 2024-06-17. Review status: criteria provided, single submitter. Criteria: Invitae Variant Classification Sherloc (09022015). Collection method: clinical testing. Allele origin: germline. Not counted in ClinVar's aggregate classification.
Comment: This sequence change creates a premature translational stop signal (p.Arg451*) in the JAK3 gene. It is expected to result in an absent or disrupted protein product. Loss-of-function variants in JAK3 are known to be pathogenic (PMID: 7481768, 11668621). This variant is present in population databases (rs267605358, gnomAD 0.01%). This premature translational stop signal has been observed in individual(s) with severe combined immunodeficiency (PMID: 30778343). ClinVar contains an entry for this variant (Variation ID: 81020). Algorithms developed to predict the effect of sequence changes on RNA splicing suggest that this variant may disrupt the consensus splice site. For these reasons, this variant has been classified as Pathogenic.

CeGaT Center for Human Genetics Tuebingen
Classification: Pathogenic. Last evaluated: 2023-06-01. Review status: criteria provided, single submitter. Criteria: CeGaT Center For Human Genetics Tuebingen Variant Classification Criteria Version 2. Collection method: clinical testing. Allele origin: germline. Affected: yes. Observed: 3 variant alleles. Not counted in ClinVar's aggregate classification.
Comment: JAK3: PVS1, PM2, PM3

Women's Health and Genetics/Laboratory Corporation of America, LabCorp
Classification: Pathogenic for Severe combined immunodeficiency disease. Last evaluated: 2023-04-12. Review status: criteria provided, single submitter. Criteria: LabCorp Variant Classification Summary - May 2015. Collection method: clinical testing. Allele origin: germline. Not counted in ClinVar's aggregate classification.
Comment: Variant summary: JAK3 c.1351C>T (p.Arg451X) results in a premature termination codon, predicted to cause a truncation of the encoded protein or absence of the protein due to nonsense mediated decay, which are commonly known mechanisms for disease. Truncations downstream of this position have been classified as pathogenic by our laboratory. The variant was absent in 240738 control chromosomes. c.1351C>T has been reported in the literature in individuals affected with Severe Combined Immunodeficiency (examples: Aluri_2019, ElHawary_2020). These data indicate that the variant is likely to be associated with disease. To our knowledge, no experimental evidence demonstrating an impact on protein function has been reported. Two clinical diagnostic laboratories have submitted clinical-significance assessments for this variant to ClinVar after 2014 without evidence for independent evaluation. All laboratories classified the variant as pathogenic. Based on the evidence outlined above, the variant was classified as pathogenic.

GeneDx
Classification: Pathogenic. Last evaluated: 2022-11-25. Review status: criteria provided, single submitter. Criteria: GeneDx Variant Classification Process June 2021. Collection method: clinical testing. Allele origin: germline. Affected: yes. Not counted in ClinVar's aggregate classification.
Comment: Nonsense variant predicted to result in protein truncation or nonsense mediated decay in a gene for which loss of function is a known mechanism of disease; Not observed at significant frequency in large population cohorts (gnomAD); This variant is associated with the following publications: (PMID: 30778343, 33040328, 27980540)

Literature cited by the submitters: PubMed 7481768 (cited by Labcorp Genetics (formerly Invitae), Labcorp); PubMed 11668621 (cited by Labcorp Genetics (formerly Invitae), Labcorp); PubMed 30778343 (cited by Labcorp Genetics (formerly Invitae), Labcorp and Women's Health and Genetics/Laboratory Corporation of America, LabCorp); PubMed 35482138 (cited by Women's Health and Genetics/Laboratory Corporation of America, LabCorp).